The following is an entry in ClinVar:

NM_001165963.4(SCN1A):c.4805T>C (p.Ile1602Thr)

Genes: SCN1A (sodium voltage-gated channel alpha subunit 1; minus strand), LOC102724058 (uncharacterized LOC102724058; plus strand). Cytogenetic location: 2q24.3.
Variant type: single nucleotide variant.
Coding change: c.4805T>C on transcript NM_001165963.4 (MANE Select); coding-DNA position 4805, T replaced by C.
Protein change: p.Ile1602Thr; replaces isoleucine 1602 with threonine.
Molecular consequence: missense variant. On other transcripts: non-coding transcript variant (1).
Genome position (GRCh38, 1-based): chr2:165,994,193, A>G on the plus strand (T>C on the coding strand, the complement: SCN1A is on the minus strand). VCF-style: chr2-165994193-A-G. GRCh37 (hg19) VCF-style: chr2-166850703-A-G.
Other names: c.4721T>C, p.Ile1574Thr (NM_001165964.3, NM_001353957.2, NM_001353958.2); c.4805T>C, p.Ile1602Thr (NM_001202435.3, NM_001353948.2); c.4772T>C, p.Ile1591Thr (NM_001353949.2, NM_001353950.2, NM_001353951.2 and 2 more transcripts); c.4769T>C, p.Ile1590Thr (NM_001353954.2, NM_001353955.2); c.4718T>C, p.Ile1573Thr (NM_001353960.2); c.2363T>C, p.Ile788Thr (NM_001353961.2); short protein forms I1574T, I1591T, I1573T, I1590T, I1602T, I788T.
Identifiers: ClinVar variation 2130531 (VCV002130531.4), dbSNP rs1351673594, ClinGen allele CA349071477.

ClinVar aggregate classification (germline): Uncertain significance (1 of 4 stars; one submission).

Conditions:
Early-infantile DEE. Also called: Early infantile epileptic encephalopathy; Ohtahara syndrome; Early infantile epileptic encephalopathy with suppression bursts. Identifiers: Orphanet 1934, MedGen C0393706, MONDO:0800491.

Allele frequency attached by ClinVar (database versions not stated): gnomAD exomes 0.00001.
gnomAD v4.1: 5 of 1,612,530 alleles (0.00031%); highest among the groups gnomAD compares: Non-Finnish European, 0.00042%; no homozygotes.

Submission:

Labcorp Genetics (formerly Invitae), Labcorp
Classification: Uncertain significance for Early-infantile DEE. Last evaluated: 2022-04-25. Review status: criteria provided, single submitter. Criteria: Invitae Variant Classification Sherloc (09022015). Collection method: clinical testing. Allele origin: germline.
Comment: In summary, the available evidence is currently insufficient to determine the role of this variant in disease. Therefore, it has been classified as a Variant of Uncertain Significance. Algorithms developed to predict the effect of missense changes on protein structure and function (SIFT, PolyPhen-2, Align-GVGD) all suggest that this variant is likely to be disruptive. This variant has not been reported in the literature in individuals affected with SCN1A-related conditions. This variant is present in population databases (no rsID available, gnomAD 0.0009%). This sequence change replaces isoleucine, which is neutral and non-polar, with threonine, which is neutral and polar, at codon 1602 of the SCN1A protein (p.Ile1602Thr).